The following is an entry in ClinVar:

ClinVar aggregate classification (germline): Conflicting classifications of pathogenicity. Review status: criteria provided, conflicting classifications (1 of 4 stars). 6 submissions from 6 submitters: Uncertain significance (1); Benign (1); Likely benign (3). 1 of the submissions does not count toward it. Last evaluated 2026-01-20.

Conditions:
Ornithine aminotransferase deficiency (GACR). Also called: Ornithine ketoacid aminotransferase deficiency; Gyrate atrophy; Gyrate atrophy of choroid and retina; Girate atrophy of the retina; OAT DEFICIENCY; OKT DEFICIENCY. Identifiers: Orphanet 414, MedGen C0018425, MONDO:0009796, OMIM 258870.

Allele frequency attached by ClinVar (database versions not stated): ExAC 0.00043; gnomAD 0.00105 and 0.00110; ESP Exome Variant Server 0.00115; 1000 Genomes Project 0.00160; 1000 Genomes Project 30x 0.00172.
gnomAD v4.1: 365 of 1,613,208 alleles (0.023%); highest among the groups gnomAD compares: African/African-American, 0.37%; 1 homozygote.

Submissions (6):

Labcorp Genetics (formerly Invitae), Labcorp
Classification: Benign for Ornithine aminotransferase deficiency. Last evaluated: 2026-01-20. Review status: criteria provided, single submitter. Criteria: Invitae Variant Classification Sherloc (09022015). Collection method: clinical testing. Allele origin: germline.

CeGaT Center for Human Genetics Tuebingen
Classification: Likely benign. Last evaluated: 2025-09-01. Review status: criteria provided, single submitter. Criteria: CeGaT Center For Human Genetics Tuebingen Variant Classification Criteria Version 2. Collection method: clinical testing. Allele origin: germline. Affected: yes. Observed: 1 variant allele.
Comment: OAT: BP4, BP7

Blueprint Genetics
Classification: Likely benign. Last evaluated: 2024-10-22. Review status: criteria provided, single submitter. Criteria: ACMG Guidelines, 2015. Collection method: clinical testing. Allele origin: germline.

GeneDx
Classification: Likely benign. Last evaluated: 2021-05-06. Review status: criteria provided, single submitter. Criteria: GeneDx Variant Classification Process June 2021. Collection method: clinical testing. Allele origin: germline. Affected: yes.

Eurofins Ntd Llc (ga)
Classification: Uncertain significance. Last evaluated: 2015-03-02. Review status: criteria provided, single submitter. Criteria: EGL Classification Definitions 2015. Collection method: clinical testing. Allele origin: germline. Observed: 1 variant allele, 1 heterozygote.

Natera, Inc.
Classification: Likely benign for Gyrate atrophy. Last evaluated: 2020-04-10. Review status: no assertion criteria provided. Collection method: clinical testing. Allele origin: germline. Not counted in ClinVar's aggregate classification.

NM_000274.4(OAT):c.969C>T (p.Tyr323=)

Gene: OAT (ornithine aminotransferase; minus strand). Cytogenetic location: 10q26.13.
Variant type: single nucleotide variant.
Coding change: c.969C>T on transcript NM_000274.4 (MANE Select); coding-DNA position 969, C replaced by T.
Protein change: p.Tyr323=; no amino-acid change (tyrosine 323 retained).
Molecular consequence: synonymous variant.
Genome position (GRCh38, 1-based): chr10:124,401,771, G>A on the plus strand (C>T on the coding strand, the complement: OAT is on the minus strand). VCF-style: chr10-124401771-G-A. GRCh37 (hg19) VCF-style: chr10-126090340-G-A.
Other names: c.555C>T, p.Tyr185= (NM_001171814.2); c.969C>T, p.Tyr323= (NM_001322965.2, NM_001322966.2, NM_001322967.2 and 3 more transcripts); c.648C>T, p.Tyr216= (NM_001322971.2); c.369C>T, p.Tyr123= (NM_001322974.2).
Identifiers: ClinVar variation 198705 (VCV000198705.28), dbSNP rs138895801, ClinGen allele CA247507.